The following is an entry in ClinVar:

ClinVar aggregate classification (germline): Conflicting classifications of pathogenicity. Review status: criteria provided, conflicting classifications (1 of 4 stars). 5 submissions from 5 submitters: Likely pathogenic (2); Uncertain significance (2). 1 of the submissions does not count toward it. Last evaluated 2025-08-31.

Conditions:
Optic atrophy 9 (OPA9). Identifiers: MedGen C4225384, MONDO:0014571, OMIM 616289.
Infantile cerebellar-retinal degeneration (ICRD). Identifiers: Orphanet 313850, MedGen C3281192, MONDO:0013802, OMIM 614559.

Allele frequency attached by ClinVar (database versions not stated): gnomAD exomes below 0.00001.
gnomAD v4.1: 3 of 1,612,900 alleles (0.00019%); highest among the groups gnomAD compares: African/African-American, 0.0013%; no homozygotes.

Submissions (5):

Labcorp Genetics (formerly Invitae), Labcorp
Classification: Uncertain significance. Last evaluated: 2025-08-31. Review status: criteria provided, single submitter. Criteria: Invitae Variant Classification Sherloc (09022015). Collection method: clinical testing. Allele origin: germline.
Comment: This sequence change replaces arginine, which is basic and polar, with cysteine, which is neutral and slightly polar, at codon 607 of the ACO2 protein (p.Arg607Cys). This variant is present in population databases (no rsID available, gnomAD 0.004%). This missense change has been observed in individual(s) with clinical features of infantile cerebellar-retinal degeneration (PMID: 26992325). ClinVar contains an entry for this variant (Variation ID: 218316). Invitae Evidence Modeling of protein sequence and biophysical properties (such as structural, functional, and spatial information, amino acid conservation, physicochemical variation, residue mobility, and thermodynamic stability) indicates that this missense variant is expected to disrupt ACO2 protein function with a positive predictive value of 80%. In summary, the available evidence is currently insufficient to determine the role of this variant in disease. Therefore, it has been classified as a Variant of Uncertain Significance.

Blueprint Genetics
Classification: Uncertain significance. Last evaluated: 2022-11-18. Review status: criteria provided, single submitter. Criteria: ACMG Guidelines, 2015. Collection method: clinical testing. Allele origin: germline.

Baylor Genetics
Classification: Likely pathogenic for Infantile cerebellar-retinal degeneration. Last evaluated: 2013-11-14. Review status: criteria provided, single submitter. Criteria: Yang et al. 2013. Collection method: clinical testing. Allele origin: maternal. Inheritance: Autosomal recessive inheritance. Affected: yes. Observed: 1 compound heterozygote. Segregation with disease not observed.

Department of Medical Genetics, College of Basic Medicine, Army Medical University
Classification: Likely pathogenic for Optic atrophy 9. Review status: criteria provided, single submitter. Criteria: ACMG Guidelines, 2015. Collection method: clinical testing. Allele origin: paternal. Inheritance: Autosomal recessive inheritance. Affected: yes.

OMIM
Classification: Pathogenic for INFANTILE CEREBELLAR-RETINAL DEGENERATION. Last evaluated: 2022-10-19. Review status: no assertion criteria provided. Collection method: literature only. Allele origin: germline. Not counted in ClinVar's aggregate classification.

Literature cited by the submitters: PubMed 26992325 (cited by Labcorp Genetics (formerly Invitae), Labcorp and OMIM).

NM_001098.3(ACO2):c.1819C>T (p.Arg607Cys)

Genes: POLR3H (RNA polymerase III subunit H; minus strand), ACO2 (aconitase 2; plus strand). Cytogenetic location: 22q13.2.
Variant type: single nucleotide variant.
Coding change: c.1819C>T on transcript NM_001098.3 (MANE Select); coding-DNA position 1819, C replaced by T.
Protein change: p.Arg607Cys; replaces arginine 607 with cysteine.
Molecular consequence: missense variant. On other transcripts: 3 prime UTR variant (5).
Genome position (GRCh38, 1-based): chr22:41,526,319, C>T. VCF-style: chr22-41526319-C-T. GRCh37 (hg19) VCF-style: chr22-41922323-C-T.
Other names: c.*2964G>A (NM_001018050.4, NM_001018052.4, NM_001282884.2 and 2 more transcripts); short protein forms R607C.
Identifiers: ClinVar variation 218316 (VCV000218316.10), dbSNP rs864309499, ClinGen allele CA250420.